The following is an entry in ClinVar:

ClinVar aggregate classification (germline): Likely benign. Review status: criteria provided, multiple submitters, no conflicts (2 of 4 stars). 3 submissions from 3 submitters: Likely benign (3). Last evaluated 2022-01-01.

Conditions:
Hereditary cancer-predisposing syndrome. Also called: Hereditary Cancer Syndrome; Tumor predisposition; Neoplastic Syndromes, Hereditary; Hereditary neoplastic syndrome. Identifiers: Orphanet 140162, MedGen C0027672, MeSH D009386, MONDO:0015356.
Microcephaly, normal intelligence and immunodeficiency (NBS). Also called: Nijmegen breakage syndrome; Microcephaly with normal intelligence immunodeficiency and lymphoreticular malignancies; Nonsyndromal microcephaly autosomal recessive with normal intelligence; Seemanova syndrome 2; Ataxia telangiectasia variant V1; BERLIN BREAKAGE SYNDROME. Identifiers: Orphanet 647, MedGen C0398791, MONDO:0009623, OMIM 251260.

Submissions (3):

Labcorp Genetics (formerly Invitae), Labcorp
Classification: Likely benign for Microcephaly, normal intelligence and immunodeficiency. Last evaluated: 2022-01-01. Review status: criteria provided, single submitter. Criteria: Invitae Variant Classification Sherloc (09022015). Collection method: clinical testing. Allele origin: germline.

Ambry Genetics
Classification: Likely benign for Hereditary cancer-predisposing syndrome. Last evaluated: 2019-09-13. Review status: criteria provided, single submitter. Criteria: Ambry Variant Classification Scheme 2023. Collection method: clinical testing. Allele origin: germline.

GeneDx
Classification: Likely benign. Last evaluated: 2017-12-14. Review status: criteria provided, single submitter. Criteria: GeneDx Variant Classification (06012015). Collection method: clinical testing. Allele origin: germline. Affected: yes.
Comment: This variant is considered likely benign or benign based on one or more of the following criteria: it is a conservative change, it occurs at a poorly conserved position in the protein, it is predicted to be benign by multiple in silico algorithms, and/or has population frequency not consistent with disease.

NM_002485.5(NBN):c.375A>G (p.Lys125=)

Gene: NBN (nibrin; minus strand). Cytogenetic location: 8q21.3.
Variant type: single nucleotide variant.
Coding change: c.375A>G on transcript NM_002485.5 (MANE Select); coding-DNA position 375, A replaced by G.
Protein change: p.Lys125=; no amino-acid change (lysine 125 retained).
Molecular consequence: synonymous variant.
Genome position (GRCh38, 1-based): chr8:89,980,839, T>C on the plus strand (A>G on the coding strand, the complement: NBN is on the minus strand). VCF-style: chr8-89980839-T-C. GRCh37 (hg19) VCF-style: chr8-90993067-T-C.
Other names: c.129A>G, p.Lys43= (NM_001024688.3).
Identifiers: ClinVar variation 514233 (VCV000514233.16), dbSNP rs1554567977, ClinGen allele CA461831388.
Genomic context (GRCh38, chr8:89,980,839, plus strand): 5'-TTCTGTCCAATTGTTTACAGTAAATCCTCCAAGTTGCAATATAGCTTGATTTAAAGCAGT[T>C]TTCCCAGAGACATCTAAACAAGAAGAGCATGCAACCAAAGGCTCATACTCTATTCTGTAA-3'
Protein context (NP_002476.2, residues 115-135): ACSSCLDVSG[Lys125=]TALNQAILQL